The following is an entry in ClinVar:

NM_000059.4(BRCA2):c.9402C>A (p.Gly3134=)

Gene: BRCA2 (BRCA2 DNA repair associated; plus strand). Cytogenetic location: 13q13.1.
Variant type: single nucleotide variant.
Coding change: c.9402C>A on transcript NM_000059.4 (MANE Select); coding-DNA position 9402, C replaced by A.
Protein change: p.Gly3134=; no amino-acid change (glycine 3134 retained).
Molecular consequence: synonymous variant.
Genome position (GRCh38, 1-based): chr13:32,394,834, C>A. VCF-style: chr13-32394834-C-A. GRCh37 (hg19) VCF-style: chr13-32968971-C-A.
Identifiers: ClinVar variation 506308 (VCV000506308.3), dbSNP rs1418629826, ClinGen allele CA483271222.

ClinVar aggregate classification (germline): Likely benign. Review status: criteria provided, multiple submitters, no conflicts (2 of 4 stars). 2 submissions from 2 submitters: Likely benign (2). Last evaluated 2021-08-08.

Conditions:
Hereditary cancer-predisposing syndrome. Also called: Neoplastic Syndromes, Hereditary; Hereditary Cancer Syndrome; Tumor predisposition; Hereditary neoplastic syndrome. Identifiers: Orphanet 140162, MedGen C0027672, MeSH D009386, MONDO:0015356.

Allele frequency attached by ClinVar (database versions not stated): gnomAD exomes below 0.00001.
gnomAD v4.1: 1 of 1,614,038 alleles (0.000062%); highest among the groups gnomAD compares: Non-Finnish European, 0.000085%; no homozygotes.

Submissions (2):

Ambry Genetics
Classification: Likely benign for Hereditary cancer-predisposing syndrome. Last evaluated: 2021-08-08. Review status: criteria provided, single submitter. Criteria: Ambry Variant Classification Scheme 2023. Collection method: clinical testing. Allele origin: germline.

GeneDx
Classification: Likely benign. Last evaluated: 2017-11-17. Review status: criteria provided, single submitter. Criteria: GeneDx Variant Classification (06012015). Collection method: clinical testing. Allele origin: germline. Affected: yes.
Comment: This variant is considered likely benign or benign based on one or more of the following criteria: it is a conservative change, it occurs at a poorly conserved position in the protein, it is predicted to be benign by multiple in silico algorithms, and/or has population frequency not consistent with disease.